The following is an entry in ClinVar:

NM_014314.4(RIGI):c.786A>G (p.Ile262Met)

Gene: RIGI (RNA sensor RIG-I; minus strand). Cytogenetic location: 9p21.1.
Variant type: single nucleotide variant.
Coding change: c.786A>G on transcript NM_014314.4 (MANE Select); coding-DNA position 786, A replaced by G.
Protein change: p.Ile262Met; replaces isoleucine 262 with methionine.
Molecular consequence: missense variant.
Genome position (GRCh38, 1-based): chr9:32,489,357, T>C on the plus strand (A>G on the coding strand, the complement: RIGI is on the minus strand). VCF-style: chr9-32489357-T-C. GRCh37 (hg19) VCF-style: chr9-32489355-T-C.
Other names: c.786A>G, p.Ile262Met (NM_001385907.1, NM_001385909.1); c.345A>G, p.Ile115Met (NM_001385910.1); c.177A>G, p.Ile59Met (NM_001385912.1); c.771A>G, p.Ile257Met (NM_001385913.1); c.342A>G, p.Ile114Met (NM_001385914.1); short protein forms I257M, I262M, I114M, I115M, I59M.
Identifiers: ClinVar variation 1510085 (VCV001510085.6), dbSNP rs376053763, ClinGen allele CA5019991.

ClinVar aggregate classification (germline): Uncertain significance (1 of 4 stars; one submission).

Allele frequency attached by ClinVar (database versions not stated): gnomAD exomes 0.00001 and 0.00002; ExAC 0.00003; ESP Exome Variant Server 0.00008.
gnomAD v4.1: 15 of 1,610,818 alleles (0.00093%); highest among the groups gnomAD compares: Middle Eastern, 0.05%; no homozygotes.

Submission:

Labcorp Genetics (formerly Invitae), Labcorp
Classification: Uncertain significance. Last evaluated: 2025-05-26. Review status: criteria provided, single submitter. Criteria: Invitae Variant Classification Sherloc (09022015). Collection method: clinical testing. Allele origin: germline.
Comment: This sequence change replaces isoleucine, which is neutral and non-polar, with methionine, which is neutral and non-polar, at codon 262 of the DDX58 protein (p.Ile262Met). This variant is present in population databases (rs376053763, gnomAD 0.005%). This variant has not been reported in the literature in individuals affected with DDX58-related conditions. ClinVar contains an entry for this variant (Variation ID: 1510085). Invitae Evidence Modeling of protein sequence and biophysical properties (such as structural, functional, and spatial information, amino acid conservation, physicochemical variation, residue mobility, and thermodynamic stability) indicates that this missense variant is expected to disrupt DDX58 protein function with a positive predictive value of 80%. In summary, the available evidence is currently insufficient to determine the role of this variant in disease. Therefore, it has been classified as a Variant of Uncertain Significance.